The following is an entry in ClinVar:

ClinVar aggregate classification (germline): Uncertain significance (1 of 4 stars; one submission).

Conditions:
Glucose-6-phosphate transport defect (GSD1B). Also called: Glycogen Storage Disease Type Ib; GSD Ib. Identifiers: Orphanet 364, Orphanet 79259, MedGen C0268146, MONDO:0009288, OMIM 232220.

Submission:

Labcorp Genetics (formerly Invitae), Labcorp
Classification: Uncertain significance for Glucose-6-phosphate transport defect. Last evaluated: 2025-10-26. Review status: criteria provided, single submitter. Criteria: Invitae Variant Classification Sherloc (09022015). Collection method: clinical testing. Allele origin: germline.
Comment: This sequence change replaces glycine, which is neutral and non-polar, with serine, which is neutral and polar, at codon 339 of the SLC37A4 protein (p.Gly339Ser). This variant is not present in population databases (gnomAD no frequency). This variant has not been reported in the literature in individuals affected with SLC37A4-related conditions. Invitae Evidence Modeling of protein sequence and biophysical properties (such as structural, functional, and spatial information, amino acid conservation, physicochemical variation, residue mobility, and thermodynamic stability) indicates that this missense variant is expected to disrupt SLC37A4 protein function with a positive predictive value of 80%. This variant disrupts the p.Gly339 amino acid residue in SLC37A4. Other variant(s) that disrupt this residue have been determined to be pathogenic (PMID: 9428641, 9758626, 10482962, 10923042). This suggests that this residue is clinically significant, and that variants that disrupt this residue are likely to be disease-causing. In summary, the available evidence is currently insufficient to determine the role of this variant in disease. Therefore, it has been classified as a Variant of Uncertain Significance.

Literature cited by the submitters: PubMed 9428641; PubMed 9758626; PubMed 10482962; PubMed 10923042.

NM_001164277.2(SLC37A4):c.1015G>A (p.Gly339Ser)

Gene: SLC37A4 (solute carrier family 37 member 4; minus strand). Cytogenetic location: 11q23.3.
Variant type: single nucleotide variant.
Coding change: c.1015G>A on transcript NM_001164277.2 (MANE Select); coding-DNA position 1015, G replaced by A.
Protein change: p.Gly339Ser; replaces glycine 339 with serine.
Molecular consequence: missense variant.
Genome position (GRCh38, 1-based): chr11:119,025,299, C>T on the plus strand (G>A on the coding strand, the complement: SLC37A4 is on the minus strand). VCF-style: chr11-119025299-C-T. GRCh37 (hg19) VCF-style: chr11-118896009-C-T.
Other names: c.1081G>A, p.Gly361Ser (NM_001164278.2); c.796G>A, p.Gly266Ser (NM_001164279.2); c.1015G>A, p.Gly339Ser (NM_001164280.2, NM_001467.6); short protein forms G266S, G361S, G339S.
Identifiers: ClinVar variation 4741537 (VCV004741537.1).